The following is an entry in ClinVar:

NM_006846.4(SPINK5):c.3189C>T (p.Asp1063=)

Gene: SPINK5 (serine peptidase inhibitor Kazal type 5; plus strand). Cytogenetic location: 5q32.
Variant type: single nucleotide variant.
Coding change: c.3189C>T on transcript NM_006846.4 (MANE Select); coding-DNA position 3189, C replaced by T.
Protein change: p.Asp1063=; no amino-acid change (aspartic acid 1063 retained).
Molecular consequence: synonymous variant.
Genome position (GRCh38, 1-based): chr5:148,136,985, C>T. VCF-style: chr5-148136985-C-T. GRCh37 (hg19) VCF-style: chr5-147516548-C-T.
Other names: c.3279C>T, p.Asp1093= (NM_001127698.2).
Identifiers: ClinVar variation 513233 (VCV000513233.43), dbSNP rs200751535, ClinGen allele CA3496305.

ClinVar aggregate classification (germline): Likely benign. Review status: criteria provided, multiple submitters, no conflicts (2 of 4 stars). 5 submissions from 5 submitters: Likely benign (5). Last evaluated 2026-01-26.

Conditions:
Ichthyosis linearis circumflexa. Identifiers: MedGen C0265962, MONDO:0043106, HP:0025810.

Allele frequency attached by ClinVar (database versions not stated): ESP Exome Variant Server 0.00008; TOPMed 0.00016; gnomAD 0.00017 and 0.00018; gnomAD exomes 0.00017 and 0.00029; ExAC 0.00027.
gnomAD v4.1: 273 of 1,613,582 alleles (0.017%); highest among the groups gnomAD compares: Middle Eastern, 0.099%; 1 homozygote.

Submissions (5):

Labcorp Genetics (formerly Invitae), Labcorp
Classification: Likely benign for Ichthyosis linearis circumflexa. Last evaluated: 2026-01-26. Review status: criteria provided, single submitter. Criteria: Invitae Variant Classification Sherloc (09022015). Collection method: clinical testing. Allele origin: germline.

Blueprint Genetics
Classification: Likely benign. Last evaluated: 2024-09-10. Review status: criteria provided, single submitter. Criteria: ACMG Guidelines, 2015. Collection method: clinical testing. Allele origin: germline.

CeGaT Center for Human Genetics Tuebingen
Classification: Likely benign. Last evaluated: 2022-05-01. Review status: criteria provided, single submitter. Criteria: CeGaT Center For Human Genetics Tuebingen Variant Classification Criteria Version 2. Collection method: clinical testing. Allele origin: germline. Affected: yes. Observed: 1 variant allele.
Comment: SPINK5: BP4, BP7

GeneDx
Classification: Likely benign. Last evaluated: 2017-11-06. Review status: criteria provided, single submitter. Criteria: GeneDx Variant Classification (06012015). Collection method: clinical testing. Allele origin: germline. Affected: yes.
Comment: This variant is considered likely benign or benign based on one or more of the following criteria: it is a conservative change, it occurs at a poorly conserved position in the protein, it is predicted to be benign by multiple in silico algorithms, and/or has population frequency not consistent with disease.

Breakthrough Genomics
Classification: Likely benign. Review status: criteria provided, single submitter. Criteria: ACMG Guidelines, 2015. Collection method: not provided. Allele origin: germline. Inheritance: Autosomal recessive inheritance. Affected: yes.